The following is an entry in ClinVar:

ClinVar aggregate classification (germline): Benign. Review status: criteria provided, multiple submitters, no conflicts (2 of 4 stars). 3 submissions from 3 submitters: Benign (2). 1 of the submissions does not count toward it. Last evaluated 2018-06-19.

Conditions:
POLQ-related disorder. Also called: POLQ-related condition.

Allele frequency attached by ClinVar (database versions not stated): gnomAD exomes 0.00045 and 0.00128; ExAC 0.00157; 1000 Genomes Project 0.00459; gnomAD 0.00478 and 0.00512; TOPMed 0.00493; 1000 Genomes Project 30x 0.00500; ESP Exome Variant Server 0.00577.
gnomAD v4.1: 1,425 of 1,613,522 alleles (0.088%); highest among the groups gnomAD compares: African/African-American, 1.6%; 8 homozygotes.

Submissions (3):

Labcorp Genetics (formerly Invitae), Labcorp
Classification: Benign. Last evaluated: 2018-06-19. Review status: criteria provided, single submitter. Criteria: Invitae Variant Classification Sherloc (09022015). Collection method: clinical testing. Allele origin: germline.

Breakthrough Genomics
Classification: Benign. Review status: criteria provided, single submitter. Criteria: ACMG Guidelines, 2015. Collection method: not provided. Allele origin: germline. Inheritance: Unknown mechanism. Affected: yes.

PreventionGenetics, part of Exact Sciences
Classification: Benign for POLQ-related condition. Last evaluated: 2019-12-16. Review status: no assertion criteria provided. Collection method: clinical testing. Allele origin: germline. Not counted in ClinVar's aggregate classification.
Comment: This variant is classified as benign based on ACMG/AMP sequence variant interpretation guidelines (Richards et al. 2015 PMID: 25741868, with internal and published modifications).

NM_199420.4(POLQ):c.4695G>T (p.Gln1565His)

Gene: POLQ (DNA polymerase theta; minus strand). Cytogenetic location: 3q13.33.
Variant type: single nucleotide variant.
Coding change: c.4695G>T on transcript NM_199420.4 (MANE Select); coding-DNA position 4695, G replaced by T.
Protein change: p.Gln1565His; replaces glutamine 1565 with histidine.
Molecular consequence: missense variant.
Genome position (GRCh38, 1-based): chr3:121,488,236, C>A on the plus strand (G>T on the coding strand, the complement: POLQ is on the minus strand). VCF-style: chr3-121488236-C-A. GRCh37 (hg19) VCF-style: chr3-121207083-C-A.
Other names: short protein forms Q1565H.
Identifiers: ClinVar variation 791247 (VCV000791247.6), dbSNP rs3218639, ClinGen allele CA2562855.
Genomic context (GRCh38, chr3:121,488,236, plus strand): 5'-TACAGTATGATTCTTCTCTTGGACAGGAAATATATCCACATTGTCCAAAGCTTCAACCAT[C>A]TGAACAGAATCCATTTCTGAAAATATAATAGATTCATCATTGGAACAAGTCAACTGCTGG-3'
Protein context (NP_955452.3, residues 1555-1575): SIIFSEMDSV[Gln1565His]MVEALDNVDI